The following is an entry in ClinVar:

NM_152564.5(VPS13B):c.6454+1G>C

Gene: VPS13B (vacuolar protein sorting 13 homolog B; plus strand). Cytogenetic location: 8q22.2.
Variant type: single nucleotide variant.
Coding change: c.6454+1G>C on transcript NM_152564.5 (MANE Select); the canonical splice donor site of the intron after coding-DNA position 6454, G replaced by C.
Molecular consequence: splice donor variant.
Genome position (GRCh38, 1-based): chr8:99,699,933, G>C. VCF-style: chr8-99699933-G-C. GRCh37 (hg19) VCF-style: chr8-100712161-G-C.
Other names: c.6529+1G>C (NM_017890.5); c.6454+1G>C (NM_152564.4).
Identifiers: ClinVar variation 551818 (VCV000551818.3), dbSNP rs1235993153, ClinGen allele CA371875208.

ClinVar aggregate classification (germline): Likely pathogenic. Review status: criteria provided, single submitter (1 of 4 stars). 2 submissions from 2 submitters: Likely pathogenic (1). 1 of the submissions does not count toward it. Last evaluated 2026-02-27.

Conditions:
VPS13B-related disorder. Also called: VPS13B-related condition.
Cohen syndrome (COH1). Also called: Cutis verticis gyrata, retinitis pigmentosa, and sensorineural deafness; PEPPER SYNDROME. Identifiers: Orphanet 193, MedGen C0265223, MONDO:0008999, OMIM 216550.

Allele frequency attached by ClinVar (database versions not stated): gnomAD exomes below 0.00001.
gnomAD v4.1: 1 of 1,613,484 alleles (0.000062%); highest among the groups gnomAD compares: Non-Finnish European, 0.000085%; no homozygotes.

Submissions (2):

PreventionGenetics, part of Exact Sciences
Classification: Likely pathogenic for VPS13B-related condition. Last evaluated: 2026-02-27. Review status: criteria provided, single submitter. Criteria: ACMG Guidelines, 2015. Collection method: clinical testing. Allele origin: germline.
Comment: The VPS13B c.6454+1G>C variant is predicted to disrupt the GT donor site and interfere with normal splicing. To our knowledge, this variant has not been reported in the literature. This variant is reported in 0.00089% of alleles in individuals of European (Non-Finnish) descent in gnomAD. Variants that disrupt the consensus splice donor site in VPS13B are expected to be pathogenic. This variant is interpreted as likely pathogenic.

Counsyl
Classification: Likely pathogenic for Cohen syndrome. Last evaluated: 2017-05-09. Review status: no assertion criteria provided. Collection method: clinical testing. Allele origin: unknown. Not counted in ClinVar's aggregate classification.